The following is an entry in ClinVar:

NM_001127511.3(APC):c.-7G>A

Gene: APC (APC regulator of Wnt signaling pathway; plus strand). Cytogenetic location: 5q22.2.
Variant type: single nucleotide variant.
Coding change: c.-7G>A on transcript NM_001127511.3; 7 bases upstream of the start codon, G replaced by A.
Molecular consequence: 5 prime UTR variant. On other transcripts: non-coding transcript variant (1), intron variant (5).
Genome position (GRCh38, 1-based): chr5:112,707,711, G>A. VCF-style: chr5-112707711-G-A. GRCh37 (hg19) VCF-style: chr5-112043408-G-A.
Other names: c.-190G>A (NM_001354895.2, NM_001407447.1, NM_001407452.1 and 3 more transcripts); c.-7G>A (NM_001354897.2, NM_001354902.2, NM_001407446.1); c.-1225G>A (NM_001407470.1, NM_001407472.1); c.-19+62G>A (NM_001407448.1, NM_001407450.1, NM_001407457.1 and 1 more transcripts); c.-43+62G>A (NM_001407453.1).
Identifiers: ClinVar variation 1350757 (VCV001350757.6), dbSNP rs2149630381, ClinGen allele CA2573138798.

ClinVar aggregate classification (germline): Uncertain significance (1 of 4 stars; one submission).

Conditions:
Familial adenomatous polyposis 1 (FAP1). Also called: FAMILIAL ADENOMATOUS POLYPOSIS 1, ATTENUATED; POLYPOSIS, ADENOMATOUS INTESTINAL. Identifiers: MedGen C2713442, MONDO:0021056, OMIM 175100. Disease mechanism: loss of function.

gnomAD v4.1: 1 of 1,370,504 alleles (0.000073%); highest among the groups gnomAD compares: Non-Finnish European, 0.000096%; no homozygotes.

Submission:

Labcorp Genetics (formerly Invitae), Labcorp
Classification: Uncertain significance for Familial adenomatous polyposis 1. Last evaluated: 2024-11-23. Review status: criteria provided, single submitter. Criteria: Invitae Variant Classification Sherloc (09022015). Collection method: clinical testing. Allele origin: germline.
Comment: This variant occurs in a non-coding region of the APC gene. It does not change the encoded amino acid sequence of the APC protein. This variant is not present in population databases (gnomAD no frequency). This variant has not been reported in the literature in individuals affected with APC-related conditions. Experimental studies and prediction algorithms are not available or were not evaluated, and the functional significance of this variant is currently unknown. In summary, the available evidence is currently insufficient to determine the role of this variant in disease. Therefore, it has been classified as a Variant of Uncertain Significance.